The following continues an entry in ClinVar:

NM_000256.3(MYBPC3):c.2374T>C (p.Trp792Arg)

Gene: MYBPC3. ClinVar aggregate classification (germline): Pathogenic/Likely pathogenic. Pathogenic (8); Likely pathogenic (4).

Submissions 7 to 13 of 13:

Women's Health and Genetics/Laboratory Corporation of America, LabCorp
Classification: Pathogenic for Primary familial hypertrophic cardiomyopathy. Last evaluated: 2023-01-30. Review status: criteria provided, single submitter. Criteria: LabCorp Variant Classification Summary - May 2015. Collection method: clinical testing. Allele origin: germline.
Comment: Variant summary: MYBPC3 c.2374T>C (p.Trp792Arg) results in a non-conservative amino acid change located in the Fibronectin type III domain (IPR003961) of the encoded protein sequence. Four of four in-silico tools predict a damaging effect of the variant on protein function. The variant was absent in 172418 control chromosomes. c.2374T>C has been reported in the literature in multiple individuals affected with Hypertrophic Cardiomyopathy (e.g., van Driest_2004, Theis_2009, Pan_2012, Ho_2018). These data indicate that the variant is very likely to be associated with disease. Several publications report experimental evidence evaluating an impact on protein function (e.g., Smelter_2018, Helms_2020). Mouse cardiomyocytes harboring the variant protein were found to display reduced cMyBP-C protein levels and contractile kinetics similar to cells lacking endogenous cMyBP-C (Smelter_2018). The variant was also shown to contribute to protein instability (Smelter_2018, Helms_2020). Six ClinVar submitters (evaluation after 2014) have classified the variant as pathogenic (n = 3) or likely pathogenic (n = 3). Based on the evidence outlined above, the variant was classified as pathogenic.

Laboratory for Molecular Medicine, Mass General Brigham Personalized Medicine
Classification: Likely pathogenic for Hypertrophic cardiomyopathy. Last evaluated: 2022-04-26. Review status: criteria provided, single submitter. Criteria: ACMG Guidelines, 2015. Collection method: clinical testing. Allele origin: germline. Inheritance: Autosomal dominant inheritance.
Comment: The p.Trp792Arg variant in MYBPC3 has been previously identified in at least 19 individuals with HCM and segregated with disease in 1 affected relative (Theis 2009 PMID: 19808356, Pan 2012 PMID: 23074333, LMM data). This variant has also been reported by other clinical laboratories in ClinVar (Variation ID 36605) and have been identified in 0.004% (3/67954) of European chromosomes by gnomAD (v.3.1). Animal models in mice have shown that this variant affects protein function (Smelter 2018 PMID: 29451820) and computational prediction tools and conservation analyses are consistent with pathogenicity. In summary, although additional studies are required to fully establish its clinical significance, the p.Trp792Arg variant is likely pathogenic. ACMG/AMP Criteria applied: PS4, PM2_Supporting, PP3, PS3_Moderate.

GeneDx
Classification: Pathogenic. Last evaluated: 2022-01-31. Review status: criteria provided, single submitter. Criteria: GeneDx Variant Classification Process June 2021. Collection method: clinical testing. Allele origin: germline. Affected: yes.
Comment: Published functional studies demonstrate a damaging effect resulting in abnormal contractile kinetics and reduced protein stability (Smelter et al., 2018); In silico analysis supports that this missense variant has a deleterious effect on protein structure/function; Reported in ClinVar (ClinVar Variant ID# 36605); This variant is associated with the following publications: (PMID: 27114410, 34135346, 15519027, 23074333, 23299917, 24793961, 26914223, 29451820, 19808356, 25637381, 27532257, 29540445, 32841044, 31447099, 33782553)

Fulgent Genetics
Classification: Pathogenic for Hypertrophic cardiomyopathy 4; Left ventricular noncompaction 10. Last evaluated: 2021-12-13. Review status: criteria provided, single submitter. Criteria: ACMG Guidelines, 2015. Collection method: clinical testing. Allele origin: unknown.

Stanford Center for Inherited Cardiovascular Disease, Stanford University
Classification: Likely pathogenic. Last evaluated: 2014-12-07. Review status: criteria provided, single submitter. Criteria: ACMG Guidelines, 2015. Collection method: provider interpretation. Allele origin: germline.

Rady Children's Institute for Genomic Medicine, Rady Children's Hospital San Diego
Classification: Pathogenic for MYBPC3 Related Disorders. Review status: criteria provided, single submitter. Criteria: ACMG Guidelines, 2015. Collection method: clinical testing. Allele origin: germline. Affected: yes.
Comment: This variant has been previously reported as a heterozygous change in multiple individuals with hypertrophic cardiomyopathy (PMID: 15519027, 25637381, 26914223, 27532257). Functional studies in mouse cardiomyocytes have shown that this variant results in reduced protein stability (PMID: 29451820). It is absent from the gnomAD population database and thus is presumed to be rare. The c.2374T>C (p.Trp792Arg) variant affects a highly conserved amino acid and is predicted by multiple in silico tools to have a deleterious effect on protein function. Based on the available evidence, the c.2374T>C (p.Trp792Arg) variant is classified as Pathogenic.

CSER _CC_NCGL, University of Washington
Classification: Likely pathogenic for Cardiomyopathy, hypertrophic. Last evaluated: 2014-06-01. Review status: no assertion criteria provided. Collection method: research. Allele origin: germline. Inheritance: Autosomal dominant inheritance. Study: ESP 6500 variant annotation. Not counted in ClinVar's aggregate classification.
Comment: Variants classified for the Actionable exomic incidental findings in 6503 participants: challenges of variant classification manuscript

Literature cited by the submitters: PubMed 15519027 (cited by 6 submitters); PubMed 19808356 (cited by 6 submitters); PubMed 23074333 (cited by 5 submitters); PubMed 24793961 (cited by 4 submitters); PubMed 27532257 (cited by 4 submitters); PubMed 21310275 (cited by Labcorp Genetics (formerly Invitae), Labcorp and Laboratory for Molecular Medicine, Mass General Brigham Personalized Medicine); PubMed 23299917 (cited by 3 submitters); PubMed 25637381 (cited by Ambry Genetics); PubMed 26914223 (cited by Ambry Genetics and Mayo Clinic Laboratories, Mayo Clinic); PubMed 29451820 (cited by 5 submitters); PubMed 29540445 (cited by Ambry Genetics); PubMed 25611685 (cited by All of Us Research Program, National Institutes of Health); PubMed 27114410 (cited by Mayo Clinic Laboratories, Mayo Clinic); PubMed 32841044 (cited by Mayo Clinic Laboratories, Mayo Clinic and Women's Health and Genetics/Laboratory Corporation of America, LabCorp); PubMed 34097875 (cited by Mayo Clinic Laboratories, Mayo Clinic and Women's Health and Genetics/Laboratory Corporation of America, LabCorp); PubMed 21415409 (cited by Women's Health and Genetics/Laboratory Corporation of America, LabCorp); PubMed 30297972 (cited by Women's Health and Genetics/Laboratory Corporation of America, LabCorp).